The following is an entry in ClinVar:

NM_018928.3(PCDHGC4):c.498G>A (p.Ser166=)

Genes: PCDHGA11 (protocadherin gamma subfamily A, 11; plus strand), PCDHGA12 (protocadherin gamma subfamily A, 12; plus strand), PCDHGA2 (protocadherin gamma subfamily A, 2; plus strand), PCDHGC4 (protocadherin gamma subfamily C, 4; plus strand), PCDHGA4 (protocadherin gamma subfamily A, 4; plus strand) and 17 more. Cytogenetic location: 5q31.3.
Variant type: single nucleotide variant.
Coding change: c.498G>A on transcript NM_018928.3 (MANE Select); coding-DNA position 498, G replaced by A.
Protein change: p.Ser166=; no amino-acid change (serine 166 retained).
Molecular consequence: synonymous variant. On other transcripts: intron variant (23).
Genome position (GRCh38, 1-based): chr5:141,485,671, G>A. VCF-style: chr5-141485671-G-A. GRCh37 (hg19) VCF-style: chr5-140865238-G-A.
Other names: c.498G>A, p.Ser166= (NM_032406.1); c.2422-9136G>A (NM_018912.3, NM_018923.3, NM_018918.3); c.2425-9136G>A (NM_018915.4, NM_018916.4, NM_018919.3 and 4 more transcripts); c.2410-9136G>A (NM_018922.3); c.2515-9136G>A (NM_018917.4); c.2416-9136G>A (NM_018924.5, NM_018927.4); c.2398-9136G>A (NM_003736.4, NM_018925.3); c.2419-9136G>A (NM_018926.3); and 6 more.
Identifiers: ClinVar variation 5039725 (VCV005039725.1).

ClinVar aggregate classification (germline): Likely benign (1 of 4 stars; one submission).

gnomAD v4.1: 3 of 1,612,860 alleles (0.00019%); highest among the groups gnomAD compares: Non-Finnish European, 0.00025%; no homozygotes.

Submission:

CeGaT Center for Human Genetics Tuebingen
Classification: Likely benign. Last evaluated: 2026-09-01. Review status: criteria provided, single submitter. Criteria: CeGaT Center For Human Genetics Tuebingen Variant Classification Criteria Version 2. Collection method: clinical testing. Allele origin: germline. Affected: yes. Observed: 1 variant allele.
Comment: PCDHGC4: BP4, BP7